The following is an entry in ClinVar:

ClinVar aggregate classification (germline): Uncertain significance (1 of 4 stars; one submission).

gnomAD v4.1: 6 of 1,612,870 alleles (0.00037%); highest among the groups gnomAD compares: African/African-American, 0.0013%; no homozygotes.

Submission:

Labcorp Genetics (formerly Invitae), Labcorp
Classification: Uncertain significance. Last evaluated: 2025-09-15. Review status: criteria provided, single submitter. Criteria: Invitae Variant Classification Sherloc (09022015). Collection method: clinical testing. Allele origin: germline.
Comment: This sequence change replaces alanine, which is neutral and non-polar, with valine, which is neutral and non-polar, at codon 1876 of the ASPM protein (p.Ala1876Val). This variant is not present in population databases (gnomAD no frequency). This variant has not been reported in the literature in individuals affected with ASPM-related conditions. Invitae Evidence Modeling of protein sequence and biophysical properties (such as structural, functional, and spatial information, amino acid conservation, physicochemical variation, residue mobility, and thermodynamic stability) indicates that this missense variant is not expected to disrupt ASPM protein function with a negative predictive value of 80%. In summary, the available evidence is currently insufficient to determine the role of this variant in disease. Therefore, it has been classified as a Variant of Uncertain Significance.

NM_018136.5(ASPM):c.5627C>T (p.Ala1876Val)

Gene: ASPM (assembly factor for spindle microtubules; minus strand). Cytogenetic location: 1q31.3.
Variant type: single nucleotide variant.
Coding change: c.5627C>T on transcript NM_018136.5 (MANE Select); coding-DNA position 5627, C replaced by T.
Protein change: p.Ala1876Val; replaces alanine 1876 with valine.
Molecular consequence: missense variant. On other transcripts: intron variant (1).
Genome position (GRCh38, 1-based): chr1:197,103,624, G>A on the plus strand (C>T on the coding strand, the complement: ASPM is on the minus strand). VCF-style: chr1-197103624-G-A. GRCh37 (hg19) VCF-style: chr1-197072754-G-A.
Other names: c.4066-7460C>T (NM_001206846.2); short protein forms A1876V.
Identifiers: ClinVar variation 4763458 (VCV004763458.1).